The following is an entry in ClinVar:

NC_000005.10:g.112707422del

Gene: APC (APC regulator of Wnt signaling pathway; plus strand). Cytogenetic location: 5q22.2.
Variant type: Deletion.
Genome position: GRCh38 VCF-style: chr5-112707421-GC-G. GRCh37 (hg19) VCF-style: chr5-112043118-GC-G.
Identifiers: ClinVar variation 3717212 (VCV003717212.2).

ClinVar aggregate classification (germline): Uncertain significance (1 of 4 stars; one submission).

Conditions:
Familial adenomatous polyposis 1 (FAP1). Also called: FAMILIAL ADENOMATOUS POLYPOSIS 1, ATTENUATED; POLYPOSIS, ADENOMATOUS INTESTINAL. Identifiers: MedGen C2713442, MONDO:0021056, OMIM 175100. Disease mechanism: loss of function.

Submission:

Labcorp Genetics (formerly Invitae), Labcorp
Classification: Uncertain significance for Familial adenomatous polyposis 1. Last evaluated: 2024-09-16. Review status: criteria provided, single submitter. Criteria: Invitae Variant Classification Sherloc (09022015). Collection method: clinical testing. Allele origin: germline.
Comment: This variant occurs in a non-coding region of the APC gene. It does not change the encoded amino acid sequence of the APC protein. This variant is not present in population databases (gnomAD no frequency). This variant has not been reported in the literature in individuals affected with APC-related conditions. Experimental studies and prediction algorithms are not available or were not evaluated, and the functional significance of this variant is currently unknown. In summary, the available evidence is currently insufficient to determine the role of this variant in disease. Therefore, it has been classified as a Variant of Uncertain Significance.